The following is an entry in ClinVar:

ClinVar aggregate classification (germline): Pathogenic (1 of 4 stars; one submission).

Submission:

GeneDx
Classification: Pathogenic. Last evaluated: 2021-02-25. Review status: criteria provided, single submitter. Criteria: GeneDx Variant Classification Process June 2021. Collection method: clinical testing. Allele origin: germline. Affected: yes.
Comment: Not observed in large population cohorts (Lek et al., 2016); In silico analysis supports that this missense variant has a deleterious effect on protein structure/function; Has not been previously published as pathogenic or benign in a peer reviewed publication to our knowledge

NM_001376.5(DYNC1H1):c.2906T>C (p.Ile969Thr)

Genes: DYNC1H1 (dynein cytoplasmic 1 heavy chain 1; plus strand), LOC130056502 (ATAC-STARR-seq lymphoblastoid active region 9063; plus strand). Cytogenetic location: 14q32.31.
Variant type: single nucleotide variant.
Coding change: c.2906T>C on transcript NM_001376.5 (MANE Select); coding-DNA position 2906, T replaced by C.
Protein change: p.Ile969Thr; replaces isoleucine 969 with threonine.
Molecular consequence: missense variant.
Genome position (GRCh38, 1-based): chr14:101,991,564, T>C. VCF-style: chr14-101991564-T-C. GRCh37 (hg19) VCF-style: chr14-102457901-T-C.
Other names: short protein forms I969T.
Identifiers: ClinVar variation 1200540 (VCV001200540.3), dbSNP rs2141278577, ClinGen allele CA391030239.